The following is an entry in ClinVar:

ClinVar aggregate classification (germline): Benign/Likely benign. Review status: criteria provided, multiple submitters, no conflicts (2 of 4 stars). 11 submissions from 11 submitters: Benign (8); Likely benign (1). 2 of the submissions do not count toward it. Last evaluated 2026-02-04.

Conditions:
Primary ciliary dyskinesia. Also called: Ciliary dyskinesia. Identifiers: Orphanet 244, MedGen C0008780, MONDO:0016575, HP:0012265.
Primary ciliary dyskinesia 3. Identifiers: Orphanet 244, MedGen C1837618, MONDO:0012085, OMIM 608644.

Allele frequency attached by ClinVar (database versions not stated): gnomAD 0.39090 and 0.39399; TOPMed 0.39967; ESP Exome Variant Server 0.40166; 1000 Genomes Project 30x 0.40725; 1000 Genomes Project 0.41014; gnomAD exomes 0.41125 and 0.41291; ExAC 0.41490.
gnomAD v4.1: 663,106 of 1,612,616 alleles (41%); highest among the groups gnomAD compares: South Asian, 45%; 137,296 homozygotes.

Submissions (11):

Labcorp Genetics (formerly Invitae), Labcorp
Classification: Benign for Primary ciliary dyskinesia. Last evaluated: 2026-02-04. Review status: criteria provided, single submitter. Criteria: Invitae Variant Classification Sherloc (09022015). Collection method: clinical testing. Allele origin: germline.

Blueprint Genetics
Classification: Likely benign. Last evaluated: 2024-11-26. Review status: criteria provided, single submitter. Criteria: ACMG Guidelines, 2015. Collection method: clinical testing. Allele origin: germline.

Genome-Nilou Lab
Classification: Benign for Primary ciliary dyskinesia 3. Last evaluated: 2021-07-30. Review status: criteria provided, single submitter. Criteria: ACMG Guidelines, 2015. Collection method: clinical testing. Allele origin: germline. Affected: no.

Pars Genome Lab
Classification: Benign for Primary ciliary dyskinesia 3. Last evaluated: 2021-06-15. Review status: criteria provided, single submitter. Criteria: ACMG Guidelines, 2015. Collection method: clinical testing. Allele origin: germline. Affected: no.

GeneDx
Classification: Benign. Last evaluated: 2018-11-10. Review status: criteria provided, single submitter. Criteria: GeneDx Variant Classification Process June 2021. Collection method: clinical testing. Allele origin: germline. Affected: yes.

Illumina Laboratory Services, Illumina
Classification: Benign for Primary ciliary dyskinesia 3. Last evaluated: 2018-01-13. Review status: criteria provided, single submitter. Criteria: ICSL Variant Classification Criteria 13 December 2019. Collection method: clinical testing. Allele origin: germline.
Comment: This variant was observed in the ICSL laboratory as part of a predisposition screen in an ostensibly healthy population. It had not been previously curated by ICSL or reported in the Human Gene Mutation Database (HGMD: prior to June 1st, 2018), and was therefore a candidate for classification through an automated scoring system. Utilizing variant allele frequency, disease prevalence and penetrance estimates, and inheritance mode, an automated score was calculated to assess if this variant is too frequent to cause the disease. Based on the score and internal cut-off values, a variant classified as benign is not then subjected to further curation. The score for this variant resulted in a classification of benign for this disease.

Laboratory for Molecular Medicine, Mass General Brigham Personalized Medicine
Classification: Benign. Last evaluated: 2013-02-21. Review status: criteria provided, single submitter. Criteria: LMM Criteria. Collection method: clinical testing. Allele origin: germline. Observed: 76 variant alleles.
Comment: 12910-11C>T in intron 74 of DNAH5: This variant is not expected to have clinical significance because it has been identified in 42.3% (3635/8600) of European Am erican chromosomes from a broad population by the NHLBI Exome Sequencing Project (dbSNP rs30175).

Breakthrough Genomics
Classification: Benign. Review status: criteria provided, single submitter. Criteria: ACMG Guidelines, 2015. Collection method: not provided. Allele origin: germline. Inheritance: Autosomal recessive inheritance. Affected: yes.

PreventionGenetics, part of Exact Sciences
Classification: Benign. Review status: criteria provided, single submitter. Criteria: ACMG Guidelines, 2015. Collection method: clinical testing. Allele origin: germline.

Clinical Genetics DNA and cytogenetics Diagnostics Lab, Erasmus MC, Erasmus Medical Center
Classification: Benign. Review status: no assertion criteria provided. Collection method: clinical testing. Allele origin: germline. Affected: yes. Study: VKGL Data-share Consensus. Not counted in ClinVar's aggregate classification.

Diagnostic Laboratory, Department of Genetics, University Medical Center Groningen
Classification: Benign. Review status: no assertion criteria provided. Collection method: clinical testing. Allele origin: germline. Affected: yes. Study: VKGL Data-share Consensus. Not counted in ClinVar's aggregate classification.

NM_001369.3(DNAH5):c.12910-11C>T

Gene: DNAH5 (dynein axonemal heavy chain 5; minus strand). Cytogenetic location: 5p15.2.
Variant type: single nucleotide variant.
Coding change: c.12910-11C>T on transcript NM_001369.3 (MANE Select); 11 bases into the intron before coding-DNA position 12910, C replaced by T.
Molecular consequence: intron variant.
Genome position (GRCh38, 1-based): chr5:13,714,631, G>A on the plus strand (C>T on the coding strand, the complement: DNAH5 is on the minus strand). VCF-style: chr5-13714631-G-A. GRCh37 (hg19) VCF-style: chr5-13714740-G-A.
Identifiers: ClinVar variation 163133 (VCV000163133.36), dbSNP rs30175, ClinGen allele CA175771.